The following is an entry in ClinVar:

NM_002692.4(POLE2):c.1187_1188del (p.Ser396fs)

Gene: POLE2 (DNA polymerase epsilon 2, accessory subunit; minus strand). Cytogenetic location: 14q21.3.
Variant type: Deletion.
Coding change: c.1187_1188del on transcript NM_002692.4 (MANE Select); coding-DNA positions 1187 to 1188, 2 bases deleted (CA; older notation c.1187_1188delCA).
Protein change: p.Ser396fs; shifts the reading frame from serine 396.
Molecular consequence: frameshift variant.
Genome position (GRCh38, 1-based): chr14:49,654,013-49,654,014, TG deleted on the plus strand (CA on the coding strand, the reverse complement: POLE2 is on the minus strand). VCF-style (leftmost placement, unchanged base first): chr14-49654012-CTG-C. GRCh37 (hg19) VCF-style: chr14-50120730-CTG-C.
Other names: c.1109_1110del, p.Ser370fs (NM_001197330.2); c.1187_1188del, p.Ser396fs (NM_001197331.3); c.1184_1185del, p.Ser395fs (NM_001348384.2); c.956_957del, p.Ser319fs (NM_001348385.2); short protein forms S370fs, S395fs, S396fs, S319fs.
Identifiers: ClinVar variation 1929258 (VCV001929258.5), dbSNP rs2502824383, ClinGen allele CA2580088143.
Genomic context (GRCh38, chr14:49,654,012, plus strand): 5'-GAAAGGAAAAATGTATAACACAAAATACTAATTCTTACCTGCAAGGATTAGTAGTAAAAA[CTG>C]AAAATGGTACCCTTTGTCTGAATTCATTAGTGATGCTTTCAGCAAGTGGTGGCCTATAAA-3'

ClinVar aggregate classification (germline): Uncertain significance (1 of 4 stars; one submission).

Submission:

Labcorp Genetics (formerly Invitae), Labcorp
Classification: Uncertain significance. Last evaluated: 2022-09-16. Review status: criteria provided, single submitter. Criteria: Invitae Variant Classification Sherloc (09022015). Collection method: clinical testing. Allele origin: germline.
Comment: In summary, the available evidence is currently insufficient to determine the role of this variant in disease. Therefore, it has been classified as a Variant of Uncertain Significance. This variant has not been reported in the literature in individuals affected with POLE2-related conditions. This variant is not present in population databases (gnomAD no frequency). This sequence change creates a premature translational stop signal (p.Ser396Cysfs*5) in the POLE2 gene. It is expected to result in an absent or disrupted protein product. However, the current clinical and genetic evidence is not sufficient to establish whether loss-of-function variants in POLE2 cause disease.